The following is an entry in ClinVar:

NM_017654.4(SAMD9):c.2678A>G (p.Asn893Ser)

Gene: SAMD9 (sterile alpha motif domain containing 9; minus strand). Cytogenetic location: 7q21.2.
Variant type: single nucleotide variant.
Coding change: c.2678A>G on transcript NM_017654.4 (MANE Select); coding-DNA position 2678, A replaced by G.
Protein change: p.Asn893Ser; replaces asparagine 893 with serine.
Molecular consequence: missense variant.
Genome position (GRCh38, 1-based): chr7:93,103,420, T>C on the plus strand (A>G on the coding strand, the complement: SAMD9 is on the minus strand). VCF-style: chr7-93103420-T-C. GRCh37 (hg19) VCF-style: chr7-92732733-T-C.
Other names: c.2678A>G, p.Asn893Ser (NM_001193307.2); short protein forms N893S.
Identifiers: ClinVar variation 1801015 (VCV001801015.2), dbSNP rs767522783, ClinGen allele CA4342801.
Genomic context (GRCh38, chr7:93,103,420, plus strand): 5'-TTGGTGAAAATATTCTGCCCTTTCAGGATATTCCGGACCACATTTTCTATGTATTCTTTA[T>C]TAAAATTGGTTTTCATGATCATAAAGGAATAAAAATCCTCAAAGTTTTTATGCTGTTCTT-3'
Protein context (NP_060124.2, residues 883-903): YSFMIMKTNF[Asn893Ser]KEYIENVVRN

ClinVar aggregate classification (germline): Uncertain significance. Review status: criteria provided, multiple submitters, no conflicts (2 of 4 stars). 2 submissions from 2 submitters: Uncertain significance (2). Last evaluated 2025-05-17.

Conditions:
Inborn genetic diseases. Identifiers: MedGen C0950123, MeSH D030342.

Allele frequency attached by ClinVar (database versions not stated): gnomAD 0.00001; gnomAD exomes 0.00001; ExAC 0.00001.
gnomAD v4.1: 11 of 1,613,402 alleles (0.00068%); highest among the groups gnomAD compares: East Asian, 0.02%; no homozygotes.

Submissions (2):

Ambry Genetics
Classification: Uncertain significance for Inborn genetic diseases. Last evaluated: 2025-05-17. Review status: criteria provided, single submitter. Criteria: Ambry Variant Classification Scheme 2023. Collection method: clinical testing. Allele origin: germline.
Comment: The p.N893S variant (also known as c.2678A>G), located in coding exon 1 of the SAMD9 gene, results from an A to G substitution at nucleotide position 2678. The asparagine at codon 893 is replaced by serine, an amino acid with highly similar properties. This amino acid position is conserved. In addition, this alteration is predicted to be tolerated by in silico analysis. Based on the available evidence, the clinical significance of this variant remains unclear.

GeneDx
Classification: Uncertain significance. Last evaluated: 2022-05-26. Review status: criteria provided, single submitter. Criteria: GeneDx Variant Classification Process June 2021. Collection method: clinical testing. Allele origin: germline. Affected: yes.
Comment: Not observed at significant frequency in large population cohorts (gnomAD); In silico analysis supports that this missense variant does not alter protein structure/function; Has not been previously published as pathogenic or benign to our knowledge; This variant is associated with the following publications: (PMID: 28545555)